The following is an entry in ClinVar:

ClinVar aggregate classification (germline): Likely benign (0 of 4 stars; one submission).

Conditions:
NRP1-related disorder. Also called: NRP1-related condition.

gnomAD v4.1: 4 of 1,613,578 alleles (0.00025%); highest among the groups gnomAD compares: Non-Finnish European, 0.00034%; no homozygotes.

Submission:

PreventionGenetics, part of Exact Sciences
Classification: Likely benign for NRP1-related condition. Last evaluated: 2024-08-30. Review status: no assertion criteria provided. Collection method: clinical testing. Allele origin: germline.
Comment: This variant is classified as likely benign based on ACMG/AMP sequence variant interpretation guidelines (Richards et al. 2015 PMID: 25741868, with internal and published modifications).

NM_003873.7(NRP1):c.2418A>G (p.Gln806=)

Gene: NRP1 (neuropilin 1; minus strand). Cytogenetic location: 10p11.22.
Variant type: single nucleotide variant.
Coding change: c.2418A>G on transcript NM_003873.7 (MANE Select); coding-DNA position 2418, A replaced by G.
Protein change: p.Gln806=; no amino-acid change (glutamine 806 retained).
Molecular consequence: synonymous variant. On other transcripts: non-coding transcript variant (1).
Genome position (GRCh38, 1-based): chr10:33,185,641, T>C on the plus strand (A>G on the coding strand, the complement: NRP1 is on the minus strand). VCF-style: chr10-33185641-T-C. GRCh37 (hg19) VCF-style: chr10-33474569-T-C.
Other names: c.2400A>G, p.Gln800= (NM_001244972.2); c.2397A>G, p.Gln799= (NM_001244973.2); c.2418A>G, p.Gln806= (NM_001330068.2).
Identifiers: ClinVar variation 3357249 (VCV003357249.1).